The following is an entry in ClinVar:

NM_006648.4(WNK2):c.6089G>A (p.Ser2030Asn)

Gene: WNK2 (WNK lysine deficient protein kinase 2; plus strand). Cytogenetic location: 9q22.31.
Variant type: single nucleotide variant.
Coding change: c.6089G>A on transcript NM_006648.4 (MANE Select); coding-DNA position 6089, G replaced by A.
Protein change: p.Ser2030Asn; replaces serine 2030 with asparagine.
Molecular consequence: missense variant.
Genome position (GRCh38, 1-based): chr9:93,299,235, G>A. VCF-style: chr9-93299235-G-A. GRCh37 (hg19) VCF-style: chr9-96061517-G-A.
Other names: c.6200G>A, p.Ser2067Asn (NM_001282394.3); short protein forms S2030N, S2067N.
Identifiers: ClinVar variation 3190657 (VCV003190657.2), dbSNP rs138695382, ClinGen allele CA5130761.
Genomic context (GRCh38, chr9:93,299,235, plus strand): 5'-CCCAGCAGCCCTGCTCCGTCCGGGCCTCCCTGTCTTCGGACATCTGCTCCGGCTTAGCCA[G>A]TGATGGAGGCGGAGCGCGTGGCCAAGGTGATTTCCAGCTTGCCTGTCTCCGAGCATGTGC-3'
Protein context (NP_006639.3, residues 2020-2040): LSSDICSGLA[Ser2030Asn]DGGGARGQGW

ClinVar aggregate classification (germline): Uncertain significance (1 of 4 stars; one submission).

Allele frequency attached by ClinVar (database versions not stated): gnomAD exomes 0.00008; 1000 Genomes Project 30x 0.00016; ExAC 0.00017; 1000 Genomes Project 0.00020; gnomAD 0.00026; TOPMed 0.00039; ESP Exome Variant Server 0.00054.
gnomAD v4.1: 170 of 1,583,682 alleles (0.011%); highest among the groups gnomAD compares: African/African-American, 0.062%; 1 homozygote.

Submission:

Ambry Genetics
Classification: Uncertain significance. Last evaluated: 2024-10-04. Review status: criteria provided, single submitter. Criteria: Ambry Variant Classification Scheme 2023. Collection method: clinical testing. Allele origin: germline.
Comment: The p.S2030N variant (also known as c.6089G>A), located in coding exon 24 of the WNK2 gene, results from a G to A substitution at nucleotide position 6089. The serine at codon 2030 is replaced by asparagine, an amino acid with highly similar properties. This amino acid position is conserved. In addition, this alteration is predicted to be tolerated by in silico analysis. Based on the available evidence, the clinical significance of this variant remains unclear.